The following is an entry in ClinVar:

NM_000256.3(MYBPC3):c.2240G>T (p.Gly747Val)

Gene: MYBPC3 (myosin binding protein C3; minus strand). Cytogenetic location: 11p11.2.
Variant type: single nucleotide variant.
Coding change: c.2240G>T on transcript NM_000256.3 (MANE Select); coding-DNA position 2240, G replaced by T.
Protein change: p.Gly747Val; replaces glycine 747 with valine.
Molecular consequence: missense variant.
Genome position (GRCh38, 1-based): chr11:47,338,588, C>A on the plus strand (G>T on the coding strand, the complement: MYBPC3 is on the minus strand). VCF-style: chr11-47338588-C-A. GRCh37 (hg19) VCF-style: chr11-47360139-C-A.
Other names: short protein forms G747V.
Identifiers: ClinVar variation 2448097 (VCV002448097.4), dbSNP rs2095884996, ClinGen allele CA380320284.

ClinVar aggregate classification (germline): Uncertain significance. Review status: criteria provided, multiple submitters, no conflicts (2 of 4 stars). 2 submissions from 2 submitters: Uncertain significance (2). Last evaluated 2023-02-26.

Conditions:
Cardiomyopathy (CMYO). Also called: Cardiomyopathies. Identifiers: Orphanet 167848, MedGen C0878544, MONDO:0004994, HP:0001638. Inheritance: Various modes of inheritance.
Cardiovascular phenotype. Identifiers: MedGen CN230736.

Submissions (2):

Color Diagnostics, LLC DBA Color Health
Classification: Uncertain significance for Cardiomyopathy. Last evaluated: 2023-02-26. Review status: criteria provided, single submitter. Criteria: ACMG Guidelines, 2015. Collection method: clinical testing. Allele origin: germline.
Comment: This missense variant replaces glycine with valine at codon 747 of the MYBPC3 protein. Computational prediction suggests that this variant may have deleterious impact on protein structure and function (internally defined REVEL score threshold >= 0.7, PMID: 27666373). To our knowledge, functional studies have not been reported for this variant. This variant has not been reported in individuals affected with MYBPC3-related disorders in the literature. This variant has not been identified in the general population by the Genome Aggregation Database (gnomAD). The available evidence is insufficient to determine the role of this variant in disease conclusively. Therefore, this variant is classified as a Variant of Uncertain Significance.

Ambry Genetics
Classification: Uncertain significance for Cardiovascular phenotype. Last evaluated: 2022-12-02. Review status: criteria provided, single submitter. Criteria: Ambry Variant Classification Scheme 2023. Collection method: clinical testing. Allele origin: germline.
Comment: The p.G747V variant (also known as c.2240G>T), located in coding exon 23 of the MYBPC3 gene, results from a G to T substitution at nucleotide position 2240. The glycine at codon 747 is replaced by valine, an amino acid with dissimilar properties. This amino acid position is highly conserved in available vertebrate species. In addition, this alteration is predicted to be deleterious by in silico analysis. Since supporting evidence is limited at this time, the clinical significance of this alteration remains unclear.